The following is an entry in ClinVar:

NM_213599.3(ANO5):c.589G>A (p.Glu197Lys)

Gene: ANO5 (anoctamin 5; plus strand). Cytogenetic location: 11p14.3.
Variant type: single nucleotide variant.
Coding change: c.589G>A on transcript NM_213599.3 (MANE Select); coding-DNA position 589, G replaced by A.
Protein change: p.Glu197Lys; replaces glutamic acid 197 with lysine.
Molecular consequence: missense variant.
Genome position (GRCh38, 1-based): chr11:22,227,527, G>A. VCF-style: chr11-22227527-G-A. GRCh37 (hg19) VCF-style: chr11-22249073-G-A.
Other names: c.586G>A, p.Glu196Lys (NM_001142649.2); short protein forms E196K, E197K.
Identifiers: ClinVar variation 863710 (VCV000863710.11), dbSNP rs770413331, ClinGen allele CA5922952.
Genomic context (GRCh38, chr11:22,227,527, plus strand): 5'-CTGAGTGTGAAGTATCCCCATCCTGAATATTTTACTGCACAATTCAGCAGACATCGGCAG[G>A]AGCTCTTCCTCATCGAAGATCAGGCAACCTTCTTTCCATCCTCATCAAGAAACAGAATTG-3'
Protein context (NP_998764.1, residues 187-207): FTAQFSRHRQ[Glu197Lys]LFLIEDQATF

ClinVar aggregate classification (germline): Uncertain significance. Review status: criteria provided, multiple submitters, no conflicts (2 of 4 stars). 2 submissions from 2 submitters: Uncertain significance (2). Last evaluated 2024-10-13.

Conditions:
Gnathodiaphyseal dysplasia (GDD). Also called: GNATHODIAPHYSEAL SCLEROSIS; OSTEOGENESIS IMPERFECTA WITH UNUSUAL SKELETAL LESIONS. Identifiers: Orphanet 53697, MedGen C1833736, MONDO:0008151, OMIM 166260.
Autosomal recessive limb-girdle muscular dystrophy type 2L (LGMDR12). Also called: MUSCULAR DYSTROPHY, LIMB-GIRDLE, AUTOSOMAL RECESSIVE 12; Limb-Girdle Muscular Dystrophy R12 Anoctamin-5-Related (LGMD-R12); Limb-girdle muscular dystrophy, type 2L. Identifiers: Orphanet 206549, MedGen C1969785, MONDO:0012652, OMIM 611307.
Inborn genetic diseases. Identifiers: MedGen C0950123, MeSH D030342.

Allele frequency attached by ClinVar (database versions not stated): gnomAD exomes below 0.00001; TOPMed below 0.00001; ExAC 0.00001.
gnomAD v4.1: 2 of 1,613,462 alleles (0.00012%); highest among the groups gnomAD compares: Non-Finnish European, 0.000085%; no homozygotes.

Submissions (2):

Labcorp Genetics (formerly Invitae), Labcorp
Classification: Uncertain significance for Autosomal recessive limb-girdle muscular dystrophy type 2L; Gnathodiaphyseal dysplasia. Last evaluated: 2024-10-13. Review status: criteria provided, single submitter. Criteria: Invitae Variant Classification Sherloc (09022015). Collection method: clinical testing. Allele origin: germline.
Comment: This sequence change replaces glutamic acid, which is acidic and polar, with lysine, which is basic and polar, at codon 197 of the ANO5 protein (p.Glu197Lys). This variant is present in population databases (rs770413331, gnomAD 0.0009%). This variant has not been reported in the literature in individuals affected with ANO5-related conditions. ClinVar contains an entry for this variant (Variation ID: 863710). Invitae Evidence Modeling of protein sequence and biophysical properties (such as structural, functional, and spatial information, amino acid conservation, physicochemical variation, residue mobility, and thermodynamic stability) has been performed for this missense variant. However, the output from this modeling did not meet the statistical confidence thresholds required to predict the impact of this variant on ANO5 protein function. In summary, the available evidence is currently insufficient to determine the role of this variant in disease. Therefore, it has been classified as a Variant of Uncertain Significance.

Ambry Genetics
Classification: Uncertain significance for Inborn genetic diseases. Last evaluated: 2024-05-30. Review status: criteria provided, single submitter. Criteria: Ambry Variant Classification Scheme 2023. Collection method: clinical testing. Allele origin: germline.